The following is an entry in ClinVar:

ClinVar aggregate classification (germline): Likely benign (1 of 4 stars; one submission).

Allele frequency attached by ClinVar (database versions not stated): gnomAD exomes 0.00040; ExAC 0.00055; 1000 Genomes Project 0.00220; 1000 Genomes Project 30x 0.00234; gnomAD 0.00290.
gnomAD v4.1: 689 of 703,180 alleles (0.098%); highest among the groups gnomAD compares: African/African-American, 1%; 4 homozygotes.

Submission:

CeGaT Center for Human Genetics Tuebingen
Classification: Likely benign. Last evaluated: 2023-04-01. Review status: criteria provided, single submitter. Criteria: CeGaT Center For Human Genetics Tuebingen Variant Classification Criteria Version 2. Collection method: clinical testing. Allele origin: germline. Affected: yes. Observed: 1 variant allele.
Comment: GDPD4: BP4, BP7

NM_182833.3(GDPD4):c.*274A>G

Gene: GDPD4 (glycerophosphodiester phosphodiesterase domain containing 4; minus strand). Cytogenetic location: 11q13.5.
Variant type: single nucleotide variant.
Coding change: c.*274A>G on transcript NM_182833.3 (MANE Select); 274 bases downstream of the stop codon, A replaced by G.
Molecular consequence: 3 prime UTR variant.
Genome position (GRCh38, 1-based): chr11:77,217,003, T>C on the plus strand (A>G on the coding strand, the complement: GDPD4 is on the minus strand). VCF-style: chr11-77217003-T-C. GRCh37 (hg19) VCF-style: chr11-76928048-T-C.
Identifiers: ClinVar variation 2642181 (VCV002642181.24), dbSNP rs373698539, ClinGen allele CA6199160.
Genomic context (GRCh38, chr11:77,217,003, plus strand): 5'-ATAGGGGACCTCTATGGAGGGCATGGTTGGCTTATCCACCTTCAGGGTGGGCAATGTAGT[T>C]TGAAAGGTAGCCTCACTTGTAGCCTGCCTGGTGGGTGCTTGGGTGAGTTCAAAGACCACG-3'